The following is an entry in ClinVar:

NM_138387.4(G6PC3):c.*67G>A

Gene: G6PC3 (glucose-6-phosphatase catalytic subunit 3; plus strand). Cytogenetic location: 17q21.31.
Variant type: single nucleotide variant.
Coding change: c.*67G>A on transcript NM_138387.4 (MANE Select); 67 bases downstream of the stop codon, G replaced by A.
Molecular consequence: 3 prime UTR variant.
Genome position (GRCh38, 1-based): chr17:44,076,110, G>A. VCF-style: chr17-44076110-G-A. GRCh37 (hg19) VCF-style: chr17-42153478-G-A.
Other names: c.*401G>A (NM_001319945.2); c.*67G>A (NM_001384165.1, NM_001384166.1, NM_001384167.1 and 1 more transcripts).
Identifiers: ClinVar variation 889712 (VCV000889712.5), dbSNP rs11544393, ClinGen allele CA8596215.

ClinVar aggregate classification (germline): Uncertain significance. Review status: criteria provided, multiple submitters, no conflicts (2 of 4 stars). 2 submissions from 2 submitters: Uncertain significance (2). Last evaluated 2018-01-13.

Conditions:
Autosomal recessive severe congenital neutropenia due to G6PC3 deficiency. Also called: NEUTROPENIA, SEVERE CONGENITAL, 4, AUTOSOMAL RECESSIVE; G6PC3 Deficiency. Identifiers: Orphanet 331176, MedGen C2751630, MONDO:0012930, OMIM 612541.

Allele frequency attached by ClinVar (database versions not stated): TOPMed 0.00084; 1000 Genomes Project 30x 0.00016.
gnomAD v4.1: 2,470 of 1,597,658 alleles (0.15%); highest among the groups gnomAD compares: Non-Finnish European, 0.2%; 5 homozygotes.

Submissions (2):

Illumina Laboratory Services, Illumina
Classification: Uncertain significance for Autosomal recessive severe congenital neutropenia due to G6PC3 deficiency. Last evaluated: 2018-01-13. Review status: criteria provided, single submitter. Criteria: ICSL Variant Classification Criteria 13 December 2019. Collection method: clinical testing. Allele origin: germline.

Seattle Children's Hospital Molecular Genetics Laboratory, Seattle Children's Hospital
Classification: Uncertain significance for Autosomal recessive severe congenital neutropenia due to G6PC3 deficiency. Review status: criteria provided, single submitter. Criteria: ACMG Guidelines, 2015. Collection method: clinical testing. Allele origin: germline. Affected: yes.
Comment: The c.*67G>A variant alters a moderately conserved nucleotide the 3 prime untranslated region (3' UTR) of the G6PC3 gene. Variants in the 3' UTR have potential to disrupt binding sites for RNA binding proteins and microRNAs, which may result in changes to gene expression (PMID: 35850704, PMID: 29582564). This variant has been observed in large population databases in the heterozygous state (224 of 275,116 alleles, gnomAD v2.1.1). To our knowledge, it has not been published in the literature or clinical databases in an individual with G6PC3 deficiency.